The following is an entry in ClinVar:

NM_020320.5(RARS2):c.1133G>T (p.Gly378Val)

Gene: RARS2 (arginyl-tRNA synthetase 2, mitochondrial; minus strand). Cytogenetic location: 6q15.
Variant type: single nucleotide variant.
Coding change: c.1133G>T on transcript NM_020320.5 (MANE Select); coding-DNA position 1133, G replaced by T.
Protein change: p.Gly378Val; replaces glycine 378 with valine.
Molecular consequence: missense variant. On other transcripts: non-coding transcript variant (23).
Genome position (GRCh38, 1-based): chr6:87,519,687, C>A on the plus strand (G>T on the coding strand, the complement: RARS2 is on the minus strand). VCF-style: chr6-87519687-C-A. GRCh37 (hg19) VCF-style: chr6-88229405-C-A.
Other names: c.608G>T, p.Gly203Val (NM_001318785.2, NM_001350506.2, NM_001350507.2 and 4 more transcripts); c.1133G>T, p.Gly378Val (NM_001350505.2); short protein forms G378V, G203V.
Identifiers: ClinVar variation 2624043 (VCV002624043.3), dbSNP rs1773211702, ClinGen allele CA364924149.

ClinVar aggregate classification (germline): Uncertain significance. Review status: criteria provided, multiple submitters, no conflicts (2 of 4 stars). 2 submissions from 2 submitters: Uncertain significance (2). Last evaluated 2026-09-01.

Conditions:
Inborn genetic diseases. Identifiers: MedGen C0950123, MeSH D030342.

Allele frequency attached by ClinVar (database versions not stated): gnomAD exomes below 0.00001; TOPMed below 0.00001.
gnomAD v4.1: 3 of 1,613,970 alleles (0.00019%); highest among the groups gnomAD compares: Non-Finnish European, 0.00017%; no homozygotes.

Submissions (2):

CeGaT Center for Human Genetics Tuebingen
Classification: Uncertain significance. Last evaluated: 2026-09-01. Review status: criteria provided, single submitter. Criteria: CeGaT Center For Human Genetics Tuebingen Variant Classification Criteria Version 2. Collection method: clinical testing. Allele origin: germline. Affected: yes. Observed: 1 variant allele.
Comment: RARS2: PM2

Ambry Genetics
Classification: Uncertain significance for Inborn genetic diseases. Last evaluated: 2023-09-14. Review status: criteria provided, single submitter. Criteria: Ambry Variant Classification Scheme 2023. Collection method: clinical testing. Allele origin: germline.